The following is an entry in ClinVar:

NM_001367916.1(MAGT1):c.92G>C (p.Arg31Thr)

Genes: MAGT1 (magnesium transporter 1; minus strand), LOC130068460 (ATAC-STARR-seq lymphoblastoid active region 29781; plus strand). Cytogenetic location: Xq21.1.
Variant type: single nucleotide variant.
Coding change: c.92G>C on transcript NM_001367916.1 (MANE Select); coding-DNA position 92, G replaced by C.
Protein change: p.Arg31Thr; replaces arginine 31 with threonine.
Molecular consequence: missense variant.
Genome position (GRCh38, 1-based): chrX:77,895,319, C>G on the plus strand (G>C on the coding strand, the complement: MAGT1 is on the minus strand). VCF-style: chrX-77895319-C-G. GRCh37 (hg19) VCF-style: chrX-77150816-C-G.
Other names: c.188G>C, p.Arg63Thr (NM_032121.5); short protein forms R31T, R63T.
Identifiers: ClinVar variation 5001073 (VCV005001073.1).

ClinVar aggregate classification (germline): Uncertain significance (1 of 4 stars; one submission).

Conditions:
MAGT1-related disorder. Also called: MAGT1-related condition.

gnomAD v4.1: 4 of 1,212,268 alleles (0.00033%); highest among the groups gnomAD compares: Admixed American, 0.0022%; no homozygotes.

Submission:

PreventionGenetics, part of Exact Sciences
Classification: Uncertain significance for MAGT1-related condition. Last evaluated: 2026-01-14. Review status: criteria provided, single submitter. Criteria: ACMG Guidelines, 2015. Collection method: clinical testing. Allele origin: germline.
Comment: The MAGT1 c.188G>C variant is predicted to result in the amino acid substitution p.Arg63Thr. To our knowledge, this variant has not been reported in the literature. This variant is reported in 0.0036% of alleles in individuals of Latino descent in gnomAD, including 1 hemizygous observation. At this time, the clinical significance of this variant is uncertain due to the absence of conclusive functional and genetic evidence.